The following is an entry in ClinVar:

ClinVar aggregate classification (germline): Likely benign (0 of 4 stars; one submission).

Conditions:
JAG2-related disorder. Also called: JAG2-related condition.

Allele frequency attached by ClinVar (database versions not stated): gnomAD exomes 0.00010; ExAC 0.00027; ESP Exome Variant Server 0.00046; 1000 Genomes Project 0.00060; 1000 Genomes Project 30x 0.00062; gnomAD 0.00088; TOPMed 0.00100.
gnomAD v4.1: 287 of 1,610,858 alleles (0.018%); highest among the groups gnomAD compares: African/African-American, 0.31%; no homozygotes.

Submission:

PreventionGenetics, part of Exact Sciences
Classification: Likely benign for JAG2-related condition. Last evaluated: 2023-04-17. Review status: no assertion criteria provided. Collection method: clinical testing. Allele origin: germline.
Comment: This variant is classified as likely benign based on ACMG/AMP sequence variant interpretation guidelines (Richards et al. 2015 PMID: 25741868, with internal and published modifications).

NM_002226.5(JAG2):c.3635C>T (p.Pro1212Leu)

Gene: JAG2 (jagged canonical Notch ligand 2; minus strand). Cytogenetic location: 14q32.33.
Variant type: single nucleotide variant.
Coding change: c.3635C>T on transcript NM_002226.5 (MANE Select); coding-DNA position 3635, C replaced by T.
Protein change: p.Pro1212Leu; replaces proline 1212 with leucine.
Molecular consequence: missense variant.
Genome position (GRCh38, 1-based): chr14:105,142,777, G>A on the plus strand (C>T on the coding strand, the complement: JAG2 is on the minus strand). VCF-style: chr14-105142777-G-A. GRCh37 (hg19) VCF-style: chr14-105609114-G-A.
Other names: c.3521C>T, p.Pro1174Leu (NM_145159.3); short protein forms P1174L, P1212L.
Identifiers: ClinVar variation 3036459 (VCV003036459.2), dbSNP rs202039687, ClinGen allele CA7385129.